The following is an entry in ClinVar:

NM_014714.4(IFT140):c.2424G>A (p.Ala808=)

Gene: IFT140 (intraflagellar transport 140; minus strand). Cytogenetic location: 16p13.3.
Variant type: single nucleotide variant.
Coding change: c.2424G>A on transcript NM_014714.4 (MANE Select); coding-DNA position 2424, G replaced by A.
Protein change: p.Ala808=; no amino-acid change (alanine 808 retained).
Molecular consequence: synonymous variant.
Genome position (GRCh38, 1-based): chr16:1,526,772, C>T on the plus strand (G>A on the coding strand, the complement: IFT140 is on the minus strand). VCF-style: chr16-1526772-C-T. GRCh37 (hg19) VCF-style: chr16-1576773-C-T.
Identifiers: ClinVar variation 318057 (VCV000318057.17), dbSNP rs375979698, ClinGen allele CA7813631.
Genomic context (GRCh38, chr16:1,526,772, plus strand): 5'-GCCCATGTTCCCCAGGCACACCTTGGCCACGTCCAGCCGCTGGGTCTTCACGCACATGCG[C>T]GCCATGTTCTCCCAGACGGCCTCACTGTGGGCAGACGGGGGTCTGTGAGGCTCCTGCCCA-3'
Protein context (NP_055529.2, residues 798-818): IKSEAVWENM[Ala808=]RMCVKTQRLD

ClinVar aggregate classification (germline): Conflicting classifications of pathogenicity. Review status: criteria provided, conflicting classifications (1 of 4 stars). 3 submissions from 3 submitters: Uncertain significance (1); Likely benign (2). Last evaluated 2026-08-17.

Conditions:
Saldino-Mainzer syndrome (SRTD9). Also called: short-rib thoracic dysplasia 9 with or without polydactyly; SHORT-RIB THORACIC DYSPLASIA 9 WITHOUT POLYDACTYLY; Renal dysplasia, retinal pigmentary dystrophy, cerebellar ataxia and skeletal dysplasia; CONORENAL SYNDROME. Identifiers: Orphanet 140969, MedGen C1849437, MONDO:0009964, OMIM 266920.
IFT140-related disorder. Also called: IFT140-related condition.

Allele frequency attached by ClinVar (database versions not stated): gnomAD exomes 0.00003 and 0.00006; gnomAD 0.00004 and 0.00005; TOPMed 0.00005; ExAC 0.00008; ESP Exome Variant Server 0.00008.
gnomAD v4.1: 60 of 1,610,274 alleles (0.0037%); highest among the groups gnomAD compares: Middle Eastern, 0.033%; no homozygotes.

Submissions (3):

PreventionGenetics, part of Exact Sciences
Classification: Likely benign for IFT140-related condition. Last evaluated: 2026-08-17. Review status: criteria provided, single submitter. Criteria: ACMG Guidelines, 2015. Collection method: clinical testing. Allele origin: germline.
Comment: This variant is classified as likely benign based on ACMG/AMP sequence variant interpretation guidelines (Richards et al. 2015 PMID: 25741868, with internal and published modifications).

Labcorp Genetics (formerly Invitae), Labcorp
Classification: Likely benign for Saldino-Mainzer syndrome. Last evaluated: 2025-06-23. Review status: criteria provided, single submitter. Criteria: Invitae Variant Classification Sherloc (09022015). Collection method: clinical testing. Allele origin: germline.

Illumina Laboratory Services, Illumina
Classification: Uncertain significance for Saldino-Mainzer syndrome. Last evaluated: 2018-01-13. Review status: criteria provided, single submitter. Criteria: ICSL Variant Classification Criteria 13 December 2019. Collection method: clinical testing. Allele origin: germline.